The following is an entry in ClinVar:

NM_000038.6(APC):c.3730C>T (p.Gln1244Ter)

Gene: APC (APC regulator of Wnt signaling pathway; plus strand). Cytogenetic location: 5q22.2.
Variant type: single nucleotide variant.
Coding change: c.3730C>T on transcript NM_000038.6 (MANE Select); coding-DNA position 3730, C replaced by T.
Protein change: p.Gln1244Ter; replaces glutamine 1244 with a stop codon.
Molecular consequence: nonsense.
Genome position (GRCh38, 1-based): chr5:112,839,324, C>T. VCF-style: chr5-112839324-C-T. GRCh37 (hg19) VCF-style: chr5-112175021-C-T.
Other names: c.3730C>T, p.Gln1244Ter (NM_001127510.3, NM_001354895.2); c.3676C>T, p.Gln1226Ter (NM_001127511.3); c.3784C>T, p.Gln1262Ter (NM_001354896.2); c.3760C>T, p.Gln1254Ter (NM_001354897.2); c.3655C>T, p.Gln1219Ter (NM_001354898.2); c.3646C>T, p.Gln1216Ter (NM_001354899.2); c.3607C>T, p.Gln1203Ter (NM_001354900.2); c.3553C>T, p.Gln1185Ter (NM_001354901.2); and 5 more; short protein forms Q1244*, Q1226*, Q1118*, Q1185*, Q1203*, Q1084*, Q1219*, Q1262*.
Identifiers: ClinVar variation 630045 (VCV000630045.9), dbSNP rs79122263, ClinGen allele CA16029517.

ClinVar aggregate classification (germline): Pathogenic. Review status: criteria provided, multiple submitters, no conflicts (2 of 4 stars). 2 submissions from 2 submitters: Pathogenic (2). Last evaluated 2020-01-15.
ClinVar aggregate classification (somatic clinical impact): Tier I - Strong (1 of 4 stars; one submission).

Conditions:
Hereditary cancer-predisposing syndrome. Also called: Neoplastic Syndromes, Hereditary; Tumor predisposition; Hereditary neoplastic syndrome; Hereditary Cancer Syndrome. Identifiers: Orphanet 140162, MedGen C0027672, MeSH D009386, MONDO:0015356.
Medulloblastoma WNT activated. Identifiers: MedGen C4331965, MONDO:0850196.

Submissions (3):

Institute for Genomic Medicine (IGM) Clinical Laboratory, Nationwide Children's Hospital
Classification: Tier I - Strong for Medulloblastoma WNT activated. Assertion type: diagnostic. Clinical significance: supports diagnosis. Last evaluated: 2025-10-03. Review status: criteria provided, single submitter. Criteria: AMP/ASCO/CAP Guidelines, 2017. Collection method: clinical testing. Allele origin: somatic. Affected: yes.
Comment: Variant has Tier I (strong) clinical significance as a diagnostic inclusion criterion in medulloblastoma WNT activated, based on the following evidence: 1) Documented in one or more cancer databases (e.g., St. Jude Pecan, COSMIC, CIViC, OncoKB). 2) Appears in one or more well-established professional guidelines (e.g., World Health Organization [WHO]; National Comprehensive Cancer Network [NCCN]) as providing diagnostic, prognostic, or therapeutic information. 3) Information in the literature supports potential biologic effect of variant. 4) Diagnostic for a specific tumor type/classification according to professional guidelines (Evidence Level A; PMIDs: 29753700, 28726821, 31504825, 22722829, 30392813).

Color Diagnostics, LLC DBA Color Health
Classification: Pathogenic for Hereditary cancer-predisposing syndrome. Last evaluated: 2020-01-15. Review status: criteria provided, single submitter. Criteria: ACMG Guidelines, 2015. Collection method: clinical testing. Allele origin: germline.
Comment: This variant changes 1 nucleotide in exon 16 of the APC gene, creating a premature translation stop signal. This variant is expected to result in an absent or non-functional protein product. This variant has not been identified in the general population by the Genome Aggregation Database (gnomAD). Loss of APC function is a known mechanism of disease. Based on the available evidence, this variant is classified as Pathogenic.

Ambry Genetics
Classification: Pathogenic for Hereditary cancer-predisposing syndrome. Last evaluated: 2017-11-14. Review status: criteria provided, single submitter. Criteria: Ambry Variant Classification Scheme 2023. Collection method: clinical testing. Allele origin: germline.
Comment: The p.Q1244* pathogenic mutation (also known as c.3730C>T), located in coding exon 15 of the APC gene, results from a C to T substitution at nucleotide position 3730. This changes the amino acid from a glutamine to a stop codon within coding exon 15. In addition to the clinical data presented in the literature, this alteration is expected to result in loss of function by premature protein truncation. As such, this alteration is interpreted as a disease-causing mutation.

Literature cited by the submitters: PubMed 29753700 (cited by Institute for Genomic Medicine (IGM) Clinical Laboratory, Nationwide Children's Hospital); PubMed 28726821 (cited by Institute for Genomic Medicine (IGM) Clinical Laboratory, Nationwide Children's Hospital); PubMed 31504825 (cited by Institute for Genomic Medicine (IGM) Clinical Laboratory, Nationwide Children's Hospital); PubMed 22722829 (cited by Institute for Genomic Medicine (IGM) Clinical Laboratory, Nationwide Children's Hospital); PubMed 30392813 (cited by Institute for Genomic Medicine (IGM) Clinical Laboratory, Nationwide Children's Hospital); PubMed 11247896 (cited by Ambry Genetics); PubMed 20223039 (cited by Ambry Genetics).